The following is an entry in ClinVar:

NM_015338.6(ASXL1):c.2511G>A (p.Met837Ile)

Gene: ASXL1 (ASXL transcriptional regulator 1; plus strand). Cytogenetic location: 20q11.21.
Variant type: single nucleotide variant.
Coding change: c.2511G>A on transcript NM_015338.6 (MANE Select); coding-DNA position 2511, G replaced by A.
Protein change: p.Met837Ile; replaces methionine 837 with isoleucine.
Molecular consequence: missense variant.
Genome position (GRCh38, 1-based): chr20:32,435,223, G>A. VCF-style: chr20-32435223-G-A. GRCh37 (hg19) VCF-style: chr20-31023026-G-A.
Other names: c.2328G>A, p.Met776Ile (NM_001363734.1); short protein forms M837I, M776I.
Identifiers: ClinVar variation 3439768 (VCV003439768.1).

ClinVar aggregate classification (germline): Uncertain significance (1 of 4 stars; one submission).

Conditions:
Inborn genetic diseases. Identifiers: MedGen C0950123, MeSH D030342.

gnomAD v4.1: 1 of 1,614,018 alleles (0.000062%); highest among the groups gnomAD compares: Non-Finnish European, 0.000085%; no homozygotes.

Submission:

Ambry Genetics
Classification: Uncertain significance for Inborn genetic diseases. Last evaluated: 2024-12-08. Review status: criteria provided, single submitter. Criteria: Ambry Variant Classification Scheme 2023. Collection method: clinical testing. Allele origin: germline.
Comment: The p.M837I variant (also known as c.2511G>A), located in coding exon 13 of the ASXL1 gene, results from a G to A substitution at nucleotide position 2511. The methionine at codon 837 is replaced by isoleucine, an amino acid with highly similar properties. This amino acid position is conserved. In addition, this alteration is predicted to be tolerated by in silico analysis. Based on the available evidence, the clinical significance of this variant remains unclear.